The following is an entry in ClinVar:

NM_001369.3(DNAH5):c.3037A>G (p.Ser1013Gly)

Genes: DNAH5 (dynein axonemal heavy chain 5; minus strand), DNAH5-AS1 (DNAH5 antisense RNA 1; plus strand). Cytogenetic location: 5p15.2.
Variant type: single nucleotide variant.
Coding change: c.3037A>G on transcript NM_001369.3 (MANE Select); coding-DNA position 3037, A replaced by G.
Protein change: p.Ser1013Gly; replaces serine 1013 with glycine.
Molecular consequence: missense variant.
Genome position (GRCh38, 1-based): chr5:13,883,041, T>C on the plus strand (A>G on the coding strand, the complement: DNAH5 is on the minus strand). VCF-style: chr5-13883041-T-C. GRCh37 (hg19) VCF-style: chr5-13883150-T-C.
Other names: short protein forms S1013G.
Identifiers: ClinVar variation 968058 (VCV000968058.14), dbSNP rs369783406, ClinGen allele CA3204411.

ClinVar aggregate classification (germline): Conflicting classifications of pathogenicity. Review status: criteria provided, conflicting classifications (1 of 4 stars). 4 submissions from 4 submitters: Uncertain significance (2); Benign (1). 1 of the submissions does not count toward it. Last evaluated 2026-01-20.

Conditions:
Primary ciliary dyskinesia 3. Identifiers: Orphanet 244, MedGen C1837618, MONDO:0012085, OMIM 608644.
Primary ciliary dyskinesia. Also called: Ciliary dyskinesia. Identifiers: Orphanet 244, MedGen C0008780, MONDO:0016575, HP:0012265.

Allele frequency attached by ClinVar (database versions not stated): ExAC 0.00004; gnomAD 0.00005; ESP Exome Variant Server 0.00008; TOPMed 0.00008; gnomAD exomes 0.00011 and 0.00012.
gnomAD v4.1: 166 of 1,614,056 alleles (0.01%); highest among the groups gnomAD compares: Middle Eastern, 0.082%; no homozygotes.

Submissions (4):

Labcorp Genetics (formerly Invitae), Labcorp
Classification: Benign for Primary ciliary dyskinesia. Last evaluated: 2026-01-20. Review status: criteria provided, single submitter. Criteria: Invitae Variant Classification Sherloc (09022015). Collection method: clinical testing. Allele origin: germline.

Fulgent Genetics
Classification: Uncertain significance for Primary ciliary dyskinesia 3. Last evaluated: 2022-01-10. Review status: criteria provided, single submitter. Criteria: ACMG Guidelines, 2015. Collection method: clinical testing. Allele origin: unknown.

Ambry Genetics
Classification: Uncertain significance for Primary ciliary dyskinesia. Last evaluated: 2017-03-30. Review status: criteria provided, single submitter. Criteria: Ambry Variant Classification Scheme 2023. Collection method: clinical testing. Allele origin: germline.
Comment: The p.S1013G variant (also known as c.3037A>G), located in coding exon 20 of the DNAH5 gene, results from an A to G substitution at nucleotide position 3037. The serine at codon 1013 is replaced by glycine, an amino acid with similar properties. This amino acid position is poorly conserved in available vertebrate species. In addition, this alteration is predicted to be tolerated by in silico analysis. Since supporting evidence is limited at this time, the clinical significance of this alteration remains unclear.

Natera, Inc.
Classification: Uncertain significance for Primary ciliary dyskinesia. Last evaluated: 2019-11-11. Review status: no assertion criteria provided. Collection method: clinical testing. Allele origin: germline. Not counted in ClinVar's aggregate classification.